The following is an entry in ClinVar:

NM_000452.3(SLC10A2):c.660G>A (p.Trp220Ter)

Gene: SLC10A2 (solute carrier family 10 member 2; minus strand). Cytogenetic location: 13q33.1.
Variant type: single nucleotide variant.
Coding change: c.660G>A on transcript NM_000452.3 (MANE Select); coding-DNA position 660, G replaced by A.
Protein change: p.Trp220Ter; replaces tryptophan 220 with a stop codon.
Molecular consequence: nonsense.
Genome position (GRCh38, 1-based): chr13:103,051,358, C>T on the plus strand (G>A on the coding strand, the complement: SLC10A2 is on the minus strand). VCF-style: chr13-103051358-C-T. GRCh37 (hg19) VCF-style: chr13-103703708-C-T.
Other names: short protein forms W220*.
Identifiers: ClinVar variation 4697525 (VCV004697525.1).

ClinVar aggregate classification (germline): Uncertain significance (1 of 4 stars; one submission).

gnomAD v4.1: 4 of 1,613,886 alleles (0.00025%); highest among the groups gnomAD compares: African/African-American, 0.0013%; no homozygotes.

Submission:

Labcorp Genetics (formerly Invitae), Labcorp
Classification: Uncertain significance. Last evaluated: 2025-11-29. Review status: criteria provided, single submitter. Criteria: Invitae Variant Classification Sherloc (09022015). Collection method: clinical testing. Allele origin: germline.
Comment: This sequence change creates a premature translational stop signal (p.Trp220*) in the SLC10A2 gene. It is expected to result in an absent or disrupted protein product. However, the current clinical and genetic evidence is not sufficient to establish whether loss-of-function variants in SLC10A2 cause disease. This variant is not present in population databases (gnomAD no frequency). This variant has not been reported in the literature in individuals affected with SLC10A2-related conditions. In summary, the available evidence is currently insufficient to determine the role of this variant in disease. Therefore, it has been classified as a Variant of Uncertain Significance.